The following is an entry in ClinVar:

NM_005959.5(MTNR1B):c.974C>T (p.Ala325Val)

Gene: MTNR1B (melatonin receptor 1B; plus strand). Cytogenetic location: 11q14.3.
Variant type: single nucleotide variant.
Coding change: c.974C>T on transcript NM_005959.5 (MANE Select); coding-DNA position 974, C replaced by T.
Protein change: p.Ala325Val; replaces alanine 325 with valine.
Molecular consequence: missense variant.
Genome position (GRCh38, 1-based): chr11:92,982,197, C>T. VCF-style: chr11-92982197-C-T. GRCh37 (hg19) VCF-style: chr11-92715363-C-T.
Other names: short protein forms A325V.
Identifiers: ClinVar variation 3053421 (VCV003053421.2), dbSNP rs377125337, ClinGen allele CA6229125.

ClinVar aggregate classification (germline): Benign (0 of 4 stars; one submission).

Conditions:
MTNR1B-related disorder. Also called: MTNR1B-related condition.

Allele frequency attached by ClinVar (database versions not stated): gnomAD 0.00019; ExAC 0.00035; 1000 Genomes Project 30x 0.00094; 1000 Genomes Project 0.00100.

Submission:

PreventionGenetics, part of Exact Sciences
Classification: Benign for MTNR1B-related condition. Last evaluated: 2019-08-20. Review status: no assertion criteria provided. Collection method: clinical testing. Allele origin: germline.
Comment: This variant is classified as benign based on ACMG/AMP sequence variant interpretation guidelines (Richards et al. 2015 PMID: 25741868, with internal and published modifications).